The following is an entry in ClinVar:

NM_005488.3(TOM1):c.1265A>T (p.Gln422Leu)

Gene: TOM1 (target of myb1 membrane trafficking protein; plus strand). Cytogenetic location: 22q12.3.
Variant type: single nucleotide variant.
Coding change: c.1265A>T on transcript NM_005488.3 (MANE Select); coding-DNA position 1265, A replaced by T.
Protein change: p.Gln422Leu; replaces glutamine 422 with leucine.
Molecular consequence: missense variant. On other transcripts: non-coding transcript variant (3).
Genome position (GRCh38, 1-based): chr22:35,345,765, A>T. VCF-style: chr22-35345765-A-T. GRCh37 (hg19) VCF-style: chr22-35741758-A-T.
Other names: c.1166A>T, p.Gln389Leu (NM_001135729.2); c.1130A>T, p.Gln377Leu (NM_001135730.2); c.1265A>T, p.Gln422Leu (NM_001135732.2); short protein forms Q377L, Q389L, Q422L.
Identifiers: ClinVar variation 2431778 (VCV002431778.2), dbSNP rs1252471665, ClinGen allele CA411342372.
Genomic context (GRCh38, chr22:35,345,765, plus strand): 5'-CCCTCTGCCCTTCCTTCCAGATCCCAGTCACCCAGGCCTGCCTCATGGAGGACATCGAGC[A>T]GTGGCTGTCCACTGACGTGGTATGTTGGGGCCCACTCCTCACCCACACAGCAGGAGGACC-3'
Protein context (NP_005479.1, residues 412-432): TQACLMEDIE[Gln422Leu]WLSTDVGNDA

ClinVar aggregate classification (germline): Uncertain significance (1 of 4 stars; one submission).

Conditions:
Immunodeficiency 85 and autoimmunity. Identifiers: MedGen C5561976, MONDO:0030428, OMIM 619510.

gnomAD v4.1: 1 of 1,614,150 alleles (0.000062%); highest among the groups gnomAD compares: Admixed American, 0.0017%; no homozygotes.

Submission:

Laboratorio de Genetica e Diagnostico Molecular, Hospital Israelita Albert Einstein
Classification: Uncertain significance for Immunodeficiency 85 and autoimmunity. Last evaluated: 2022-12-09. Review status: criteria provided, single submitter. Criteria: ACMG Guidelines, 2015. Collection method: clinical testing. Allele origin: germline. Affected: yes.
Comment: ACMG classification criteria: PM2 supporting, BP4 supporting